The following is an entry in ClinVar:

ClinVar aggregate classification (germline): Uncertain significance. Review status: criteria provided, multiple submitters, no conflicts (2 of 4 stars). 3 submissions from 3 submitters: Uncertain significance (3). Last evaluated 2021-07-07.

Conditions:
Maturity-onset diabetes of the young type 1. Also called: MILD JUVENILE DIABETES MELLITUS; HNF4A-Related Maturity-Onset Diabetes of the Young Type 1; MODY type 1; Diabetes mellitus MODY type 1; MODY HNF4A related; MODY, type I. Identifiers: Orphanet 552, MedGen C1852093, MONDO:0007452, OMIM 125850. Disease mechanism: loss of function.
Fanconi renotubular syndrome 4 with maturity-onset diabetes of the young (FRTS4). Also called: FRTS4 WITH MODY. Identifiers: Orphanet 93111, MedGen C4014962, MONDO:0014458, OMIM 616026.
Type 2 diabetes mellitus. Also called: Type II diabetes mellitus. Identifiers: MedGen C0011860, MeSH D003924, MONDO:0005148, OMIM 125853, HP:0005978.
Maturity-onset diabetes of the young (MODY). Also called: Maturity onset diabetes mellitus in young. Identifiers: Orphanet 552, MedGen C0342276, MONDO:0018911, HP:0004904.

Allele frequency attached by ClinVar (database versions not stated): gnomAD exomes 0.00001 and 0.00003; ExAC 0.00005.
gnomAD v4.1: 5 of 1,613,734 alleles (0.00031%); highest among the groups gnomAD compares: Admixed American, 0.0083%; no homozygotes.

Submissions (3):

Fulgent Genetics
Classification: Uncertain significance for Maturity-onset diabetes of the young type 1; Type 2 diabetes mellitus; Fanconi renotubular syndrome 4 with maturity-onset diabetes of the young. Last evaluated: 2021-07-07. Review status: criteria provided, single submitter. Criteria: ACMG Guidelines, 2015. Collection method: clinical testing. Allele origin: unknown.

Women's Health and Genetics/Laboratory Corporation of America, LabCorp
Classification: Uncertain significance. Last evaluated: 2020-11-10. Review status: criteria provided, single submitter. Criteria: LabCorp Variant Classification Summary - May 2015. Collection method: clinical testing. Allele origin: germline.
Comment: Variant summary: HNF4A c.1300A>G (p.Ile434Val) results in a conservative amino acid change in the encoded protein sequence. Four of five in-silico tools predict a benign effect of the variant on protein function. The variant allele was found at a frequency of 3.2e-05 in 251448 control chromosomes. The available data on variant occurrences in the general population are insufficient to allow any conclusion about variant significance. To our knowledge, no occurrence of c.1300A>G in individuals affected with Maturity Onset Diabetes Of The Young 1/Neonatal Diabetes Mellitus and no experimental evidence demonstrating its impact on protein function have been reported. No clinical diagnostic laboratories have submitted clinical-significance assessments for this variant to ClinVar after 2014. Based on the evidence outlined above, the variant was classified as uncertain significance.

Clinical Genomics, Uppaluri K&H Personalized Medicine Clinic
Classification: Uncertain significance for Maturity-onset diabetes of the young. Review status: criteria provided, single submitter. Criteria: K & H Uppaluri Personalized Medicine Clinic Variant Classification & Assertion Criteria_Updated V.1. Collection method: research. Allele origin: unknown. Inheritance: Autosomal dominant inheritance.
Comment: Potent mutations in HNF4A are associated with poor insulin secretion in response to hyperglycemia. Associated with MODY1. Patients initially respond well to sulfonylureas but eventually become insulin dependent. However, more evidence is required to ascertain the role of this particular variant rs774111430 in MODY, yet.

Literature cited by the submitters: PubMed 18268044 (cited by Clinical Genomics, Uppaluri K&H Personalized Medicine Clinic); PubMed 17563455 (cited by Clinical Genomics, Uppaluri K&H Personalized Medicine Clinic); PubMed 32583173 (cited by Clinical Genomics, Uppaluri K&H Personalized Medicine Clinic); PubMed 35052457 (cited by Clinical Genomics, Uppaluri K&H Personalized Medicine Clinic); PubMed 35118593 (cited by Clinical Genomics, Uppaluri K&H Personalized Medicine Clinic); DOI 10.1159/000334532 (cited by Clinical Genomics, Uppaluri K&H Personalized Medicine Clinic).

NM_175914.5(HNF4A):c.1300A>G (p.Ile434Val)

Gene: HNF4A (hepatocyte nuclear factor 4 alpha; plus strand). Cytogenetic location: 20q13.12.
Variant type: single nucleotide variant.
Coding change: c.1300A>G on transcript NM_175914.5 (MANE Select); coding-DNA position 1300, A replaced by G.
Protein change: p.Ile434Val; replaces isoleucine 434 with valine.
Molecular consequence: missense variant.
Genome position (GRCh38, 1-based): chr20:44,429,606, A>G. VCF-style: chr20-44429606-A-G. GRCh37 (hg19) VCF-style: chr20-43058246-A-G.
Other names: c.1366A>G, p.Ile456Val (NM_000457.6); c.1270A>G, p.Ile424Val (NM_001030003.3); c.1345A>G, p.Ile449Val (NM_001258355.2); c.1261A>G, p.Ile421Val (NM_001287182.2); c.1291A>G, p.Ile431Val (NM_001287183.2); c.1336A>G, p.Ile446Val (NM_178849.3); short protein forms I421V, I424V, I431V, I434V, I446V, I449V, I456V.
Identifiers: ClinVar variation 987819 (VCV000987819.3), dbSNP rs774111430, ClinGen allele CA9870531.